The following is an entry in ClinVar:

ClinVar aggregate classification (germline): Uncertain significance. Review status: criteria provided, multiple submitters, no conflicts (2 of 4 stars). 3 submissions from 3 submitters: Uncertain significance (3). Last evaluated 2025-06-05.

Allele frequency attached by ClinVar (database versions not stated): ExAC 0.00017; gnomAD exomes 0.00018; 1000 Genomes Project 0.00020; TOPMed 0.00011; gnomAD 0.00013; ESP Exome Variant Server 0.00015; 1000 Genomes Project 30x 0.00016.
gnomAD v4.1: 283 of 1,613,538 alleles (0.018%); highest among the groups gnomAD compares: East Asian, 0.076%; no homozygotes.

Submissions (3):

Mayo Clinic Laboratories, Mayo Clinic
Classification: Uncertain significance. Last evaluated: 2025-06-05. Review status: criteria provided, single submitter. Criteria: ACMG Guidelines, 2015. Collection method: clinical testing. Allele origin: germline. Observed: 1 variant allele.
Comment: PM2_supporting

Ambry Genetics
Classification: Uncertain significance. Last evaluated: 2024-07-25. Review status: criteria provided, single submitter. Criteria: Ambry Variant Classification Scheme 2023. Collection method: clinical testing. Allele origin: germline.

Labcorp Genetics (formerly Invitae), Labcorp
Classification: Uncertain significance. Last evaluated: 2022-06-21. Review status: criteria provided, single submitter. Criteria: Invitae Variant Classification Sherloc (09022015). Collection method: clinical testing. Allele origin: germline.
Comment: This sequence change replaces valine, which is neutral and non-polar, with methionine, which is neutral and non-polar, at codon 376 of the VPS33A protein (p.Val376Met). This variant is present in population databases (rs371664986, gnomAD 0.04%). This variant has not been reported in the literature in individuals affected with VPS33A-related conditions. Algorithms developed to predict the effect of missense changes on protein structure and function are either unavailable or do not agree on the potential impact of this missense change (SIFT: "Tolerated"; PolyPhen-2: "Probably Damaging"; Align-GVGD: "Class C0"). In summary, the available evidence is currently insufficient to determine the role of this variant in disease. Therefore, it has been classified as a Variant of Uncertain Significance.

NM_022916.6(VPS33A):c.1126G>A (p.Val376Met)

Gene: VPS33A (VPS33A core subunit of CORVET and HOPS complexes; minus strand). Cytogenetic location: 12q24.31.
Variant type: single nucleotide variant.
Coding change: c.1126G>A on transcript NM_022916.6 (MANE Select); coding-DNA position 1126, G replaced by A.
Protein change: p.Val376Met; replaces valine 376 with methionine.
Molecular consequence: missense variant.
Genome position (GRCh38, 1-based): chr12:122,239,916, C>T on the plus strand (G>A on the coding strand, the complement: VPS33A is on the minus strand). VCF-style: chr12-122239916-C-T. GRCh37 (hg19) VCF-style: chr12-122724463-C-T.
Other names: p.Val376Met; c.1093G>A, p.Val365Met (NM_001351018.2); c.1078G>A, p.Val360Met (NM_001351019.2); c.805G>A, p.Val269Met (NM_001351020.2); short protein forms V269M, V365M, V376M, V360M.
Identifiers: ClinVar variation 2060828 (VCV002060828.4), dbSNP rs371664986, ClinGen allele CA6844420.
Genomic context (GRCh38, chr12:122,239,916, plus strand): 5'-AGAGGTTTTTTTGTCCACATACCTTATCAGTGTCTATTCCAGACATAAACTCCTGTTCCA[C>T]GGTTAATTTATCAAAAAAGTCTTCAGAAGCTAAAATGAAATTAGCAAATTTGCAACTTAG-3'
Protein context (NP_075067.2, residues 366-386): TSEDFFDKLT[Val376Met]EQEFMSGIDT